The following is an entry in ClinVar:

NM_001042492.3(NF1):c.3334A>C (p.Asn1112His)

Gene: NF1 (neurofibromin 1; plus strand). Cytogenetic location: 17q11.2.
Variant type: single nucleotide variant.
Coding change: c.3334A>C on transcript NM_001042492.3 (MANE Select); coding-DNA position 3334, A replaced by C.
Protein change: p.Asn1112His; replaces asparagine 1112 with histidine.
Molecular consequence: missense variant.
Genome position (GRCh38, 1-based): chr17:31,232,719, A>C. VCF-style: chr17-31232719-A-C. GRCh37 (hg19) VCF-style: chr17-29559737-A-C.
Other names: c.3334A>C, p.Asn1112His (NM_000267.4); short protein forms N1112H.
Identifiers: ClinVar variation 2786383 (VCV002786383.4), dbSNP rs2151434486, ClinGen allele CA398989005.

ClinVar aggregate classification (germline): Uncertain significance. Review status: criteria provided, multiple submitters, no conflicts (2 of 4 stars). 2 submissions from 2 submitters: Uncertain significance (2). Last evaluated 2025-10-14.

Conditions:
Cardiovascular phenotype. Identifiers: MedGen CN230736.
Hereditary cancer-predisposing syndrome. Also called: Hereditary Cancer Syndrome; Hereditary neoplastic syndrome; Tumor predisposition; Neoplastic Syndromes, Hereditary. Identifiers: Orphanet 140162, MedGen C0027672, MeSH D009386, MONDO:0015356.
Neurofibromatosis, type 1 (NF1). Also called: VON RECKLINGHAUSEN DISEASE; Peripheral type neurofibromatosis; Neurofibromatosis, type I; NEUROFIBROMATOSIS, TYPE I, SOMATIC. Identifiers: Orphanet 636, MedGen C0027831, MONDO:0018975, OMIM 162200. Disease mechanism: loss of function.

Submissions (2):

Ambry Genetics
Classification: Uncertain significance for Cardiovascular phenotype; Hereditary cancer-predisposing syndrome. Last evaluated: 2025-10-14. Review status: criteria provided, single submitter. Criteria: Ambry Variant Classification Scheme 2023. Collection method: clinical testing. Allele origin: germline.
Comment: The p.N1112H variant (also known as c.3334A>C), located in coding exon 26 of the NF1 gene, results from an A to C substitution at nucleotide position 3334. The asparagine at codon 1112 is replaced by histidine, an amino acid with similar properties. This amino acid position is conserved. In addition, this alteration is predicted to be tolerated by in silico analysis. Based on the available evidence, the clinical significance of this variant remains unclear.

Labcorp Genetics (formerly Invitae), Labcorp
Classification: Uncertain significance for Neurofibromatosis, type 1. Last evaluated: 2023-06-09. Review status: criteria provided, single submitter. Criteria: Invitae Variant Classification Sherloc (09022015). Collection method: clinical testing. Allele origin: germline.
Comment: Advanced modeling of protein sequence and biophysical properties (such as structural, functional, and spatial information, amino acid conservation, physicochemical variation, residue mobility, and thermodynamic stability) performed at Invitae indicates that this missense variant is expected to disrupt NF1 protein function. In summary, the available evidence is currently insufficient to determine the role of this variant in disease. Therefore, it has been classified as a Variant of Uncertain Significance. This variant has not been reported in the literature in individuals affected with NF1-related conditions. This variant is not present in population databases (gnomAD no frequency). This sequence change replaces asparagine, which is neutral and polar, with histidine, which is basic and polar, at codon 1112 of the NF1 protein (p.Asn1112His).